The following is an entry in ClinVar:

NM_001368882.1(COL13A1):c.1221A>C (p.Pro407=)

Gene: COL13A1 (collagen type XIII alpha 1 chain; plus strand). Cytogenetic location: 10q22.1.
Variant type: single nucleotide variant.
Coding change: c.1221A>C on transcript NM_001368882.1 (MANE Select); coding-DNA position 1221, A replaced by C.
Protein change: p.Pro407=; no amino-acid change (proline 407 retained).
Molecular consequence: synonymous variant.
Genome position (GRCh38, 1-based): chr10:69,922,785, A>C. VCF-style: chr10-69922785-A-C. GRCh37 (hg19) VCF-style: chr10-71682541-A-C.
Other names: c.1035A>C, p.Pro345= (NM_080805.4); c.1188A>C, p.Pro396= (NM_001130103.2); c.1158A>C, p.Pro386= (NM_001320951.2, NM_001368884.1); c.1185A>C, p.Pro395= (NM_001368883.1); c.1122A>C, p.Pro374= (NM_001368885.1, NM_080801.4, NM_080802.4); c.558A>C, p.Pro186= (NM_001368886.1); c.1131A>C, p.Pro377= (NM_001368895.1, NM_080800.4); c.1017A>C, p.Pro339= (NM_001368896.1, NM_001368898.1, NM_080798.4); and 1 more.
Identifiers: ClinVar variation 3053066 (VCV003053066.2), dbSNP rs1319263892, ClinGen allele CA470029177.
Genomic context (GRCh38, chr10:69,922,785, plus strand): 5'-TGGCAACTCCATTGGAGGAGGCAGAGGGGAACCTGGCCCTCCAGGGCTCCCTGGGCCCCC[A>C]GGGCCAAAGGTGAGTGTTCCCTGGAATTGGTGTTGGGGAGGTGCTTACCTGGGGACTTTG-3'
Protein context (NP_001355811.1, residues 397-417): EPGPPGLPGP[Pro407=]GPKGEAGVDG

ClinVar aggregate classification (germline): Likely benign (0 of 4 stars; one submission).

Conditions:
COL13A1-related disorder. Also called: COL13A1-related condition.

Submission:

PreventionGenetics, part of Exact Sciences
Classification: Likely benign for COL13A1-related condition. Last evaluated: 2023-03-22. Review status: no assertion criteria provided. Collection method: clinical testing. Allele origin: germline.
Comment: This variant is classified as likely benign based on ACMG/AMP sequence variant interpretation guidelines (Richards et al. 2015 PMID: 25741868, with internal and published modifications).